The following is an entry in ClinVar:

NC_000017.10:g.(?_38798697)_(38804103_?)dup

Gene: SMARCE1 (SWI/SNF related BAF chromatin remodeling complex subunit E1; minus strand). Cytogenetic location: 17q21.2.
Variant type: Duplication.
Identifiers: ClinVar variation 1410755 (VCV001410755.4).

ClinVar aggregate classification (germline): Uncertain significance (1 of 4 stars; one submission).

Conditions:
Familial meningioma. Also called: Meningioma, familial, susceptibility to. Identifiers: Orphanet 263662, MedGen C3551915, MONDO:0011789, OMIM 607174.

Submission:

Labcorp Genetics (formerly Invitae), Labcorp
Classification: Uncertain significance for Familial meningioma. Last evaluated: 2021-01-18. Review status: criteria provided, single submitter. Criteria: Invitae Variant Classification Sherloc (09022015). Collection method: clinical testing. Allele origin: germline.
Comment: Experimental studies and prediction algorithms are not available or were not evaluated, and the functional significance of this variant is currently unknown. In summary, the available evidence is currently insufficient to determine the role of this variant in disease. Therefore, it has been classified as a Variant of Uncertain Significance. This variant has not been reported in the literature in individuals with SMARCE1-related conditions. This variant results in a copy number gain of the genomic region encompassing exon(s) 1-4 of the SMARCE1 gene. This region includes the initiator codon of the gene. The 5' end of this event is unknown as it extends beyond the assayed region for this gene and therefore may encompass additional genes. The 3' boundary is likely confined to intron 4 of the SMARCE1 gene. As the precise location of this event is unknown, it may be in tandem or it may be located elsewhere in the genome.